The following is an entry in ClinVar:

ClinVar aggregate classification (germline): Pathogenic (1 of 4 stars; one submission).

Conditions:
Hereditary breast ovarian cancer syndrome. Also called: Hereditary breast and ovarian cancer syndrome (HBOC); Hereditary breast and/or ovarian cancer syndrome; Hereditary breast and ovarian cancer; BRCA1- and BRCA2-Associated Hereditary Breast and Ovarian Cancer; Hereditary breast and ovarian cancer syndrome; Breast and ovarian cancer. Identifiers: Orphanet 145, MedGen C0677776, MeSH D061325, MONDO:0003582. Disease mechanism: loss of function.

Submission:

Labcorp Genetics (formerly Invitae), Labcorp
Classification: Pathogenic for Hereditary breast ovarian cancer syndrome. Last evaluated: 2022-08-22. Review status: criteria provided, single submitter. Criteria: Invitae Variant Classification Sherloc (09022015). Collection method: clinical testing. Allele origin: germline.
Comment: This variant is a gross deletion of the genomic region encompassing exon(s) 7-12 of the BRCA1 gene. This deletion is out-of-frame, and is expected to create a premature termination codon and result in an absent or disrupted protein product. Loss-of-function variants in BRCA1 are known to be pathogenic (PMID: 20104584). A similar copy number variant has been observed in individual(s) with breast and/or ovarian cancer (PMID: 9927062, 15475941, 17688236, 17718857, 21120943, 25151137). This variant is also known as deletion of exons 8-13. For these reasons, this variant has been classified as Pathogenic.

Literature cited by the submitters: PubMed 20104584; PubMed 9927062; PubMed 15475941; PubMed 17688236; PubMed 17718857; PubMed 21120943; PubMed 25151137.

NC_000017.10:g.(?_41234401)_(41251921_?)del

Gene: BRCA1 (BRCA1 DNA repair associated; minus strand). Cytogenetic location: 17q21.31.
Variant type: Deletion.
Identifiers: ClinVar variation 1073298 (VCV001073298.2).